The following is an entry in ClinVar:

ClinVar aggregate classification (germline): Uncertain significance (1 of 4 stars; one submission).

Submission:

GeneDx
Classification: Uncertain significance. Last evaluated: 2024-05-06. Review status: criteria provided, single submitter. Criteria: GeneDx Variant Classification Process June 2021. Collection method: clinical testing. Allele origin: germline. Affected: yes.
Comment: Not observed at significant frequency in large population cohorts (gnomAD); In silico analysis supports that this missense variant has a deleterious effect on protein structure/function and on splicing; Has not been previously published as pathogenic or benign to our knowledge

NM_001273.5(CHD4):c.2648C>G (p.Ser883Cys)

Gene: CHD4 (chromodomain helicase DNA binding protein 4; minus strand). Cytogenetic location: 12p13.31.
Variant type: single nucleotide variant.
Coding change: c.2648C>G on transcript NM_001273.5 (MANE Select); coding-DNA position 2648, C replaced by G.
Protein change: p.Ser883Cys; replaces serine 883 with cysteine.
Molecular consequence: missense variant.
Genome position (GRCh38, 1-based): chr12:6,593,095, G>C on the plus strand (C>G on the coding strand, the complement: CHD4 is on the minus strand). VCF-style: chr12-6593095-G-C. GRCh37 (hg19) VCF-style: chr12-6702261-G-C.
Other names: c.2627C>G, p.Ser876Cys (NM_001297553.2); c.2609C>G, p.Ser870Cys (NM_001363606.2); short protein forms S870C, S876C, S883C.
Identifiers: ClinVar variation 3375961 (VCV003375961.1).